The following is an entry in ClinVar:

ClinVar aggregate classification (germline): Uncertain significance (1 of 4 stars; one submission).

Conditions:
Muscle AMP deaminase deficiency (MMDD). Also called: Myoadenylate deaminase deficiency, myopathy due to; Adenosine monophosphate deaminase 1 deficiency; AMP deaminase 1 deficiency; Adenosine Monophosphate Deaminase 1; ADENOSINE MONOPHOSPHATE DEAMINASE-1 DEFICIENCY, MYOPATHY DUE TO; AMPD1 DEFICIENCY. Identifiers: Orphanet 45, MedGen C3714933, MONDO:0014220, OMIM 615511.

Allele frequency attached by ClinVar (database versions not stated): gnomAD exomes 0.00001 and 0.00002; ExAC 0.00003; gnomAD 0.00003; TOPMed 0.00003; ESP Exome Variant Server 0.00008.
gnomAD v4.1: 17 of 1,614,088 alleles (0.0011%); highest among the groups gnomAD compares: South Asian, 0.0033%; no homozygotes.

Submission:

Labcorp Genetics (formerly Invitae), Labcorp
Classification: Uncertain significance for Muscle AMP deaminase deficiency. Last evaluated: 2022-05-24. Review status: criteria provided, single submitter. Criteria: Invitae Variant Classification Sherloc (09022015). Collection method: clinical testing. Allele origin: germline.
Comment: This sequence change replaces alanine, which is neutral and non-polar, with valine, which is neutral and non-polar, at codon 255 of the AMPD1 protein (p.Ala255Val). This variant is present in population databases (rs369685849, gnomAD 0.01%). This variant has not been reported in the literature in individuals affected with AMPD1-related conditions. Algorithms developed to predict the effect of missense changes on protein structure and function output the following: SIFT: "Tolerated"; PolyPhen-2: "Benign"; Align-GVGD: "Class C0". The valine amino acid residue is found in multiple mammalian species, which suggests that this missense change does not adversely affect protein function. In summary, the available evidence is currently insufficient to determine the role of this variant in disease. Therefore, it has been classified as a Variant of Uncertain Significance.

NM_000036.3(AMPD1):c.665C>T (p.Ala222Val)

Gene: AMPD1 (adenosine monophosphate deaminase 1; minus strand). Cytogenetic location: 1p13.2.
Variant type: single nucleotide variant.
Coding change: c.665C>T on transcript NM_000036.3 (MANE Select); coding-DNA position 665, C replaced by T.
Protein change: p.Ala222Val; replaces alanine 222 with valine.
Molecular consequence: missense variant.
Genome position (GRCh38, 1-based): chr1:114,680,361, G>A on the plus strand (C>T on the coding strand, the complement: AMPD1 is on the minus strand). VCF-style: chr1-114680361-G-A. GRCh37 (hg19) VCF-style: chr1-115222982-G-A.
Other names: c.653C>T, p.Ala218Val (NM_001172626.2); short protein forms A218V, A222V.
Identifiers: ClinVar variation 1400174 (VCV001400174.3), dbSNP rs369685849, ClinGen allele CA1020346.
Genomic context (GRCh38, chr1:114,680,361, plus strand): 5'-TCTAAGAAGGTGTCCAGATTTGGGTAAGGAAGTGGCTTAGGCTCATCTTTGCTGACTGCT[G>A]CTTCATTAGGATAGACGTAAACTACACCGTCCTTCATTTTGAGGTGATAGCCCAGGTTTT-3'
Protein context (NP_000027.3, residues 212-232): DGVVYVYPNE[Ala222Val]AVSKDEPKPL